The following is an entry in ClinVar:

NM_024301.5(FKRP):c.613C>G (p.Arg205Gly)

Gene: FKRP (fukutin related protein; plus strand). Cytogenetic location: 19q13.32.
Variant type: single nucleotide variant.
Coding change: c.613C>G on transcript NM_024301.5 (MANE Select); coding-DNA position 613, C replaced by G.
Protein change: p.Arg205Gly; replaces arginine 205 with glycine.
Molecular consequence: missense variant.
Genome position (GRCh38, 1-based): chr19:46,756,063, C>G. VCF-style: chr19-46756063-C-G. GRCh37 (hg19) VCF-style: chr19-47259320-C-G.
Other names: p.Arg205Gly; c.613C>G, p.Arg205Gly (NM_001039885.3); short protein forms R205G.
Identifiers: ClinVar variation 286820 (VCV000286820.21), dbSNP rs753297636, ClinGen allele CA9532178.

ClinVar aggregate classification (germline): Uncertain significance. Review status: criteria provided, multiple submitters, no conflicts (2 of 4 stars). 9 submissions from 9 submitters: Uncertain significance (8). 1 of the submissions does not count toward it. Last evaluated 2026-04-07.

Conditions:
Autosomal recessive limb-girdle muscular dystrophy type 2I. Also called: MUSCULAR DYSTROPHY, LIMB-GIRDLE, TYPE 2I; MUSCULAR DYSTROPHY-DYSTROGLYCANOPATHY (LIMB-GIRDLE), TYPE C, 5; MUSCULAR DYSTROPHY-DYSTROGLYCANOPATHY, LIMB-GIRDLE, FRKP-RELATED. Identifiers: Orphanet 34515, MedGen C1846672, MONDO:0011787, OMIM 607155.
Muscular dystrophy-dystroglycanopathy type B5 (MDDGB5). Also called: MUSCULAR DYSTROPHY, CONGENITAL, 1C; MUSCULAR DYSTROPHY, CONGENITAL, FKRP-RELATED; MUSCULAR DYSTROPHY-DYSTROGLYCANOPATHY (CONGENITAL WITH OR WITHOUT IMPAIRED INTELLECTUAL DEVELOPMENT), TYPE B, 5. Identifiers: MedGen C1847759, MONDO:0011688, OMIM 606612.
Muscular dystrophy-dystroglycanopathy (congenital with brain and eye anomalies), type A5. Also called: MUSCULAR DYSTROPHY-DYSTROGLYCANOPATHY (CONGENITAL WITH BRAIN AND EYE ANOMALIES), TYPE A, 5; WALKER-WARBURG SYNDROME OR MUSCLE-EYE-BRAIN DISEASE, FKRP-RELATED. Identifiers: Orphanet 588, Orphanet 899, MedGen C3150413, MONDO:0013157, OMIM 613153.
Muscular dystrophy-dystroglycanopathy (congenital with brain and eye anomalies), type A1 (MDDGA1). Also called: COD-MD SYNDROME; WALKER-WARBURG SYNDROME OR MUSCLE-EYE-BRAIN DISEASE, POMT1-RELATED; Hydrocephalus, agyria and retinal dysplasia; Hard +/- E syndrome; Warburg syndrome; Chemke syndrome. Identifiers: Orphanet 588, Orphanet 899, MedGen C4284790, MONDO:0009364, OMIM 236670.
FKRP-related disorder. Also called: FKRP-related condition.
Cardiovascular phenotype. Identifiers: MedGen CN230736.
Walker-Warburg congenital muscular dystrophy. Also called: Muscular dystrophy-dystroglycanopathy, type A; Walker-Warburg syndrome. Identifiers: Orphanet 899, MedGen C0265221, MONDO:0000171.

Allele frequency attached by ClinVar (database versions not stated): ExAC 0.00004; TOPMed 0.00006; gnomAD 0.00011.
gnomAD v4.1: 134 of 1,572,714 alleles (0.0085%); highest among the groups gnomAD compares: Admixed American, 0.028%; no homozygotes.

Submissions (9):

PreventionGenetics, part of Exact Sciences
Classification: Uncertain significance for FKRP-related condition. Last evaluated: 2026-04-07. Review status: criteria provided, single submitter. Criteria: ACMG Guidelines, 2015. Collection method: clinical testing. Allele origin: germline.
Comment: The FKRP c.613C>G variant is predicted to result in the amino acid substitution p.Arg205Gly. To our knowledge, this variant has not been reported in the literature. This variant is reported in 0.0064% of alleles in individuals of Latino descent in gnomAD. At this time, the clinical significance of this variant is uncertain due to the absence of conclusive functional and genetic evidence.

Ambry Genetics
Classification: Uncertain significance for Cardiovascular phenotype. Last evaluated: 2025-12-16. Review status: criteria provided, single submitter. Criteria: Ambry Variant Classification Scheme 2023. Collection method: clinical testing. Allele origin: germline.
Comment: The p.R205G variant (also known as c.613C>G), located in coding exon 1 of the FKRP gene, results from a C to G substitution at nucleotide position 613. The arginine at codon 205 is replaced by glycine, an amino acid with dissimilar properties. This amino acid position is not well conserved in available vertebrate species. In addition, the in silico prediction for this alteration is inconclusive. Since supporting evidence is limited at this time, the clinical significance of this alteration remains unclear.

Revvity Omics, Revvity
Classification: Uncertain significance. Last evaluated: 2025-03-28. Review status: criteria provided, single submitter. Criteria: ACMG Guidelines, 2015. Collection method: clinical testing. Allele origin: germline.

GeneDx
Classification: Uncertain significance. Last evaluated: 2024-08-12. Review status: criteria provided, single submitter. Criteria: GeneDx Variant Classification Process June 2021. Collection method: clinical testing. Allele origin: germline. Affected: yes.
Comment: Not observed at significant frequency in large population cohorts (gnomAD); Missense variants in this gene are a common cause of disease and they are underrepresented in the general population; In silico analysis indicates that this missense variant does not alter protein structure/function; Has not been previously published as pathogenic or benign to our knowledge; This variant is associated with the following publications: (PMID: 27439679)

Labcorp Genetics (formerly Invitae), Labcorp
Classification: Uncertain significance for Walker-Warburg congenital muscular dystrophy. Last evaluated: 2022-10-25. Review status: criteria provided, single submitter. Criteria: Invitae Variant Classification Sherloc (09022015). Collection method: clinical testing. Allele origin: germline.
Comment: This sequence change replaces arginine, which is basic and polar, with glycine, which is neutral and non-polar, at codon 205 of the FKRP protein (p.Arg205Gly). This variant is present in population databases (rs753297636, gnomAD 0.007%). This variant has not been reported in the literature in individuals affected with FKRP-related conditions. ClinVar contains an entry for this variant (Variation ID: 286820). Algorithms developed to predict the effect of missense changes on protein structure and function (SIFT, PolyPhen-2, Align-GVGD) all suggest that this variant is likely to be tolerated. In summary, the available evidence is currently insufficient to determine the role of this variant in disease. Therefore, it has been classified as a Variant of Uncertain Significance.

Mayo Clinic Laboratories, Mayo Clinic
Classification: Uncertain significance. Last evaluated: 2022-03-01. Review status: criteria provided, single submitter. Criteria: ACMG Guidelines, 2015. Collection method: clinical testing. Allele origin: germline. Observed: 1 variant allele.
Comment: PM2

Fulgent Genetics
Classification: Uncertain significance for Muscular dystrophy-dystroglycanopathy (congenital with brain and eye anomalies), type A1; Muscular dystrophy-dystroglycanopathy type B5; Autosomal recessive limb-girdle muscular dystrophy type 2I; Muscular dystrophy-dystroglycanopathy (congenital with brain and eye anomalies), type A5. Last evaluated: 2021-09-28. Review status: criteria provided, single submitter. Criteria: ACMG Guidelines, 2015. Collection method: clinical testing. Allele origin: unknown.

Eurofins Ntd Llc (ga)
Classification: Uncertain significance. Last evaluated: 2016-03-17. Review status: criteria provided, single submitter. Criteria: EGL Classification Definitions 2015. Collection method: clinical testing. Allele origin: germline. Observed: 1 variant allele, 1 heterozygote.

Natera, Inc.
Classification: Uncertain significance for Limb-girdle muscular dystrophy type 2I. Last evaluated: 2019-10-28. Review status: no assertion criteria provided. Collection method: clinical testing. Allele origin: germline. Not counted in ClinVar's aggregate classification.